The following is an entry in ClinVar:

NM_000059.4(BRCA2):c.9718G>A (p.Val3240Ile)

Gene: BRCA2 (BRCA2 DNA repair associated; plus strand). Cytogenetic location: 13q13.1.
Variant type: single nucleotide variant.
Coding change: c.9718G>A on transcript NM_000059.4 (MANE Select); coding-DNA position 9718, G replaced by A.
Protein change: p.Val3240Ile; replaces valine 3240 with isoleucine.
Molecular consequence: missense variant.
Genome position (GRCh38, 1-based): chr13:32,398,231, G>A. VCF-style: chr13-32398231-G-A. GRCh37 (hg19) VCF-style: chr13-32972368-G-A.
Other names: short protein forms V3240I.
Identifiers: ClinVar variation 52894 (VCV000052894.29), dbSNP rs80359240, ClinGen allele CA026279.

ClinVar aggregate classification (germline): Conflicting classifications of pathogenicity. Review status: criteria provided, conflicting classifications (1 of 4 stars). 9 submissions from 9 submitters: Uncertain significance (6); Likely benign (2). 1 of the submissions does not count toward it. Last evaluated 2026-03-25.

Conditions:
Hereditary cancer-predisposing syndrome. Also called: Hereditary neoplastic syndrome; Tumor predisposition; Hereditary Cancer Syndrome; Neoplastic Syndromes, Hereditary. Identifiers: Orphanet 140162, MedGen C0027672, MeSH D009386, MONDO:0015356.
Hereditary breast ovarian cancer syndrome. Also called: Hereditary breast and/or ovarian cancer syndrome; Breast and ovarian cancer; Hereditary breast and ovarian cancer; Hereditary breast and ovarian cancer syndrome (HBOC); Hereditary breast and ovarian cancer syndrome; BRCA1- and BRCA2-Associated Hereditary Breast and Ovarian Cancer. Identifiers: Orphanet 145, MedGen C0677776, MeSH D061325, MONDO:0003582. Disease mechanism: loss of function.
Breast-ovarian cancer, familial, susceptibility to, 2 (BROVCA2). Also called: BRCA2 Hereditary Breast and Ovarian Cancer. Identifiers: Orphanet 145, MedGen C2675520, MONDO:0012933, OMIM 612555. Disease mechanism: loss of function.

Allele frequency attached by ClinVar (database versions not stated): TOPMed below 0.00001; gnomAD 0.00001; gnomAD exomes 0.00001.
gnomAD v4.1: 9 of 1,613,610 alleles (0.00056%); highest among the groups gnomAD compares: Non-Finnish European, 0.00076%; no homozygotes.

Submissions (9):

Myriad Genetics, Inc.
Classification: Likely benign for Breast-ovarian cancer, familial, susceptibility to, 2. Last evaluated: 2026-03-25. Review status: criteria provided, single submitter. Criteria: Myriad Autosomal Dominant, Autosomal Recessive and X-Linked Classification Criteria (2023). Collection method: clinical testing. Allele origin: unknown.
Comment: This variant is considered likely benign. This variant is strongly associated with less severe personal and family histories of cancer, typical for individuals without pathogenic variants in this gene [PMID: 25085752].

Labcorp Genetics (formerly Invitae), Labcorp
Classification: Uncertain significance for Hereditary breast ovarian cancer syndrome. Last evaluated: 2026-01-07. Review status: criteria provided, single submitter. Criteria: Invitae Variant Classification Sherloc (09022015). Collection method: clinical testing. Allele origin: germline.
Comment: This sequence change replaces valine, which is neutral and non-polar, with isoleucine, which is neutral and non-polar, at codon 3240 of the BRCA2 protein (p.Val3240Ile). This variant is present in population databases (rs80359240, gnomAD 0.01%). This variant has not been reported in the literature in individuals affected with BRCA2-related conditions. ClinVar contains an entry for this variant (Variation ID: 52894). Invitae Evidence Modeling of protein sequence and biophysical properties (such as structural, functional, and spatial information, amino acid conservation, physicochemical variation, residue mobility, and thermodynamic stability) indicates that this missense variant is not expected to disrupt BRCA2 protein function with a negative predictive value of 95%. In summary, the available evidence is currently insufficient to determine the role of this variant in disease. Therefore, it has been classified as a Variant of Uncertain Significance.

Ambry Genetics
Classification: Likely benign for Hereditary cancer-predisposing syndrome. Last evaluated: 2023-11-22. Review status: criteria provided, single submitter. Criteria: Ambry Variant Classification Scheme 2023. Collection method: clinical testing. Allele origin: germline.

All of Us Research Program, National Institutes of Health
Classification: Uncertain significance for Breast-ovarian cancer, familial, susceptibility to, 2. Last evaluated: 2023-08-15. Review status: criteria provided, single submitter. Criteria: ACMG Guidelines, 2015. Collection method: clinical testing. Allele origin: germline. Inheritance: Autosomal dominant inheritance. Observed: 3 variant alleles, 3 heterozygotes.
Comment: This missense variant replaces valine with isoleucine at codon 3240 of the BRCA2 protein. Computational prediction suggests that this variant may not impact protein structure and function (internally defined REVEL score threshold <= 0.5, PMID: 27666373). To our knowledge, functional studies have not been reported for this variant. This variant has not been reported in individuals affected with BRCA2-related disorders in the literature. This variant has been identified in 1/31406 chromosomes in the general population by the Genome Aggregation Database (gnomAD). The available evidence is insufficient to determine the role of this variant in disease conclusively. Therefore, this variant is classified as a Variant of Uncertain Significance.

This study involves interpretation of variants in research participants for the purpose of population health screening. Participant phenotype was not available at the time of variant classification. Additional details can be found in publication PMID: 35346344, PMCID: PMC8962531

Color Diagnostics, LLC DBA Color Health
Classification: Uncertain significance for Hereditary cancer-predisposing syndrome. Last evaluated: 2022-11-22. Review status: criteria provided, single submitter. Criteria: ACMG Guidelines, 2015. Collection method: clinical testing. Allele origin: germline.
Comment: This missense variant replaces valine with isoleucine at codon 3240 of the BRCA2 protein. Computational prediction suggests that this variant may not impact protein structure and function (internally defined REVEL score threshold <= 0.5, PMID: 27666373). To our knowledge, functional studies have not been reported for this variant. This variant has not been reported in individuals affected with BRCA2-related disorders in the literature. This variant has been identified in 1/31406 chromosomes in the general population by the Genome Aggregation Database (gnomAD). The available evidence is insufficient to determine the role of this variant in disease conclusively. Therefore, this variant is classified as a Variant of Uncertain Significance.

GeneDx
Classification: Uncertain significance. Last evaluated: 2022-06-28. Review status: criteria provided, single submitter. Criteria: GeneDx Variant Classification Process June 2021. Collection method: clinical testing. Allele origin: germline. Affected: yes.
Comment: Not observed at significant frequency in large population cohorts (gnomAD); In silico analysis supports that this missense variant does not alter protein structure/function; Has not been previously published as pathogenic or benign to our knowledge; Also known as 9946G>A; This variant is associated with the following publications: (PMID: 31131967)

Quest Diagnostics Nichols Institute San Juan Capistrano
Classification: Uncertain significance. Last evaluated: 2016-12-14. Review status: criteria provided, single submitter. Criteria: Quest Diagnostics criteria. Collection method: clinical testing. Allele origin: germline.

Women's Health and Genetics/Laboratory Corporation of America, LabCorp
Classification: Uncertain significance. Last evaluated: 2016-04-04. Review status: criteria provided, single submitter. Criteria: LabCorp Variant Classification Summary - May 2015. Collection method: clinical testing. Allele origin: germline.
Comment: Variant Summary: The variant of interest causes a missense change involving a non-conserved nucleotide with 4/4 in silico programs (SNPs&Go not captured here due to low reliability index) predict a "benign" outcome, although these predictions have yet to be functionally assessed. The variant of interest was not observed in controls (ExAC, 1000 Gs or ESP), nor has it been, to our knowledge, reported in affected individuals via publications. Multiple reputable clinical laboratories/databases cite the variant with a classification of "uncertain significance." Therefore, taking all available lines of evidence into consideration, the variant of interest is classified as a "Variant of Uncertain Significance (VUS)," until additional information becomes available.

Breast Cancer Information Core (BIC) (BRCA2)
Classification: Uncertain significance for Breast-ovarian cancer, familial 2. Last evaluated: 2003-12-23. Review status: no assertion criteria provided. Collection method: clinical testing. Allele origin: germline. Affected: yes. Observed: 1 variant allele. Not counted in ClinVar's aggregate classification.

Literature cited by the submitters: PubMed 25085752 (cited by Myriad Genetics, Inc.).